The following is an entry in ClinVar:

ClinVar aggregate classification (germline): Uncertain significance. Review status: criteria provided, multiple submitters, no conflicts (2 of 4 stars). 2 submissions from 2 submitters: Uncertain significance (2). Last evaluated 2024-12-15.

Conditions:
Inborn genetic diseases. Identifiers: MedGen C0950123, MeSH D030342.

Allele frequency attached by ClinVar (database versions not stated): gnomAD exomes below 0.00001 and 0.00002; ExAC 0.00001; gnomAD 0.00001; TOPMed 0.00001; ESP Exome Variant Server 0.00016.
gnomAD v4.1: 26 of 1,613,830 alleles (0.0016%); highest among the groups gnomAD compares: Non-Finnish European, 0.002%; no homozygotes.

Submissions (2):

Ambry Genetics
Classification: Uncertain significance for Inborn genetic diseases. Last evaluated: 2024-12-15. Review status: criteria provided, single submitter. Criteria: Ambry Variant Classification Scheme 2023. Collection method: clinical testing. Allele origin: germline.

Labcorp Genetics (formerly Invitae), Labcorp
Classification: Uncertain significance. Last evaluated: 2021-08-11. Review status: criteria provided, single submitter. Criteria: Invitae Variant Classification Sherloc (09022015). Collection method: clinical testing. Allele origin: germline.
Comment: This sequence change replaces asparagine with serine at codon 1108 of the CEP152 protein (p.Asn1108Ser). The asparagine residue is moderately conserved and there is a small physicochemical difference between asparagine and serine. This variant is present in population databases (rs369771086, ExAC 0.001%). This variant has not been reported in the literature in individuals affected with CEP152-related conditions. Algorithms developed to predict the effect of missense changes on protein structure and function output the following: SIFT: "Tolerated"; PolyPhen-2: "Benign"; Align-GVGD: "Class C0". The serine amino acid residue is found in multiple mammalian species, which suggests that this missense change does not adversely affect protein function. In summary, the available evidence is currently insufficient to determine the role of this variant in disease. Therefore, it has been classified as a Variant of Uncertain Significance.

NM_001194998.2(CEP152):c.3323A>G (p.Asn1108Ser)

Gene: CEP152 (centrosomal protein 152; minus strand). Cytogenetic location: 15q21.1.
Variant type: single nucleotide variant.
Coding change: c.3323A>G on transcript NM_001194998.2 (MANE Select); coding-DNA position 3323, A replaced by G.
Protein change: p.Asn1108Ser; replaces asparagine 1108 with serine.
Molecular consequence: missense variant.
Genome position (GRCh38, 1-based): chr15:48,755,925, T>C on the plus strand (A>G on the coding strand, the complement: CEP152 is on the minus strand). VCF-style: chr15-48755925-T-C. GRCh37 (hg19) VCF-style: chr15-49048122-T-C.
Other names: c.3323A>G, p.Asn1108Ser (NM_014985.4); c.3323A>G (NM_014985.3); short protein forms N1108S.
Identifiers: ClinVar variation 1479404 (VCV001479404.4), dbSNP rs369771086, ClinGen allele CA7548386.